The following is an entry in ClinVar:

NM_000038.6(APC):c.1958+1015G>A

Gene: APC (APC regulator of WNT signaling pathway; plus strand). Cytogenetic location: 5q22.2.
Variant type: single nucleotide variant.
Coding change: c.1958+1015G>A on transcript NM_000038.6 (MANE Select); 1015 bases into the intron after coding-DNA position 1958, G replaced by A.
Molecular consequence: intron variant.
Genome position (GRCh38, 1-based): chr5:112,836,180, G>A. VCF-style: chr5-112836180-G-A. GRCh37 (hg19) VCF-style: chr5-112171877-G-A.
Other names: c.1958+1015G>A (NM_001354895.2, NM_001127510.3); c.1988+1015G>A (NM_001354897.2); c.1685+1015G>A (NM_001354902.2); c.1904+1015G>A (NM_001127511.3); c.1883+1015G>A (NM_001354898.2); c.1580+1015G>A (NM_001354904.2); c.1109+1015G>A (NM_001354906.2); c.2012+1015G>A (NM_001354896.2); and 5 more.
Identifiers: ClinVar variation 83225 (VCV000083225.2), dbSNP rs2545154, ClinGen allele CA006612.
Genomic context (GRCh38, chr5:112,836,180, plus strand): 5'-AAGCGATTCTCCTGCCTCAGCCTCCCGAGTAGCTGGGATTACAGGTCCCCCCCCCCCCCC[G>A]CCACCGTGCCCGGCTAATTTTTATATTTTTAGTAGAGACGGGGCTTCACCATGTTGGCCA-3'

ClinVar aggregate classification (germline): other (0 of 4 stars; one submission).

Conditions:
Familial colorectal cancer. Identifiers: MedGen CN280943, MONDO:0023113. Disease mechanism: loss of function.

Allele frequency attached by ClinVar (database versions not stated): gnomAD 0.13693.
gnomAD v4.1: 4,172 of 30,370 alleles (14%); highest among the groups gnomAD compares: East Asian, 23%; 451 homozygotes.

Submission:

Systems Biology Platform Zhejiang California International NanoSystems Institute
Classification: other for Familial colorectal cancer. Review status: no assertion criteria provided. Collection method: not provided. Allele origin: unknown.
ClinVar note: Converted during submission from cancer to other.